The following is an entry in ClinVar:

ClinVar aggregate classification (germline): Benign/Likely benign. Review status: criteria provided, multiple submitters, no conflicts (2 of 4 stars). 11 submissions from 11 submitters: Benign (7); Likely benign (4). Last evaluated 2026-08-01.

Conditions:
Usher syndrome type 2C. Also called: Usher syndrome, type 2B; USHER SYNDROME, TYPE IIC. Identifiers: Orphanet 231178, Orphanet 886, MedGen C2931213, MONDO:0011558, OMIM 605472.

Allele frequency attached by ClinVar (database versions not stated): 1000 Genomes Project 0.00240; ESP Exome Variant Server 0.00536; TOPMed 0.00423; 1000 Genomes Project 30x 0.00234.
gnomAD v4.1: 9,495 of 1,613,812 alleles (0.59%); highest among the groups gnomAD compares: Non-Finnish European, 0.68%; 39 homozygotes.

Submissions (11):

CeGaT Center for Human Genetics Tuebingen
Classification: Likely benign. Last evaluated: 2026-08-01. Review status: criteria provided, single submitter. Criteria: CeGaT Center For Human Genetics Tuebingen Variant Classification Criteria Version 2. Collection method: clinical testing. Allele origin: germline. Affected: yes. Observed: 19 variant alleles.
Comment: ADGRV1: BS2

Labcorp Genetics (formerly Invitae), Labcorp
Classification: Benign. Last evaluated: 2026-02-02. Review status: criteria provided, single submitter. Criteria: Invitae Variant Classification Sherloc (09022015). Collection method: clinical testing. Allele origin: germline.

Blueprint Genetics
Classification: Likely benign. Last evaluated: 2024-11-26. Review status: criteria provided, single submitter. Criteria: ACMG Guidelines, 2015. Collection method: clinical testing. Allele origin: germline.

Athena Diagnostics
Classification: Benign. Last evaluated: 2024-09-25. Review status: criteria provided, single submitter. Criteria: Athena Diagnostics Criteria. Collection method: clinical testing. Allele origin: unknown.

ARUP Laboratories, Molecular Genetics and Genomics, ARUP Laboratories
Classification: Benign. Last evaluated: 2022-05-05. Review status: criteria provided, single submitter. Criteria: ARUP Molecular Germline Variant Investigation Process 2021. Collection method: clinical testing. Allele origin: germline.

Mendelics
Classification: Benign for Usher syndrome type 2C. Last evaluated: 2019-05-28. Review status: criteria provided, single submitter. Criteria: Mendelics Assertion Criteria 2017. Collection method: clinical testing. Allele origin: unknown.

GeneDx
Classification: Benign. Last evaluated: 2018-11-21. Review status: criteria provided, single submitter. Criteria: GeneDx Variant Classification Process June 2021. Collection method: clinical testing. Allele origin: germline. Affected: yes.
Comment: This variant is associated with the following publications: (PMID: 25262649, 21569298, 30245029, 32707200)

Illumina Laboratory Services, Illumina
Classification: Likely benign for Usher syndrome type 2C. Last evaluated: 2017-04-27. Review status: criteria provided, single submitter. Criteria: ICSL Variant Classification Criteria 13 December 2019. Collection method: clinical testing. Allele origin: germline.
Comment: This variant was observed as part of a predisposition screen in an ostensibly healthy population. A literature search was performed for the gene, cDNA change, and amino acid change (where applicable). No publications were found based on this search. Allele frequency data from public databases allowed determination this variant is unlikely to cause disease. Therefore, this variant is classified as likely benign.

Center for Pediatric Genomic Medicine, Children's Mercy Hospital and Clinics
Classification: Likely benign. Last evaluated: 2016-11-07. Review status: criteria provided, single submitter. Criteria: ACMG Guidelines, 2015. Collection method: clinical testing. Allele origin: germline.
ClinVar note: Converted during submission from Likely Benign to Likely benign.

Eurofins Ntd Llc (ga)
Classification: Benign. Last evaluated: 2014-06-27. Review status: criteria provided, single submitter. Criteria: EGL Classification Definitions 2015. Collection method: clinical testing. Allele origin: germline. Observed: 2 variant alleles, 2 heterozygotes.

Laboratory for Molecular Medicine, Mass General Brigham Personalized Medicine
Classification: Benign. Last evaluated: 2012-04-10. Review status: criteria provided, single submitter. Criteria: LMM Criteria. Collection method: clinical testing. Allele origin: germline. Observed: 18 variant alleles.
Comment: Asp1944Asn in exon 28 of GPR98: This variant is not expected to have clinical si gnificance because it has been identified in 0.7% (50/6688) of European American chromosomes in a broad population by the NHLBI Exome sequencing project (dbSNP rs41302834).

Literature cited by the submitters: PubMed 32707200 (cited by Athena Diagnostics); PubMed 30245029 (cited by Athena Diagnostics); PubMed 29986705 (cited by Athena Diagnostics); PubMed 25251670 (cited by Athena Diagnostics); PubMed 32893963 (cited by Athena Diagnostics); PubMed 29706639 (cited by Athena Diagnostics); PubMed 21569298 (cited by Athena Diagnostics); PubMed 25262649 (cited by Athena Diagnostics); PubMed 27108799 (cited by Athena Diagnostics).

NM_032119.4(ADGRV1):c.5830G>A (p.Asp1944Asn)

Gene: ADGRV1 (adhesion G protein-coupled receptor V1; plus strand). Cytogenetic location: 5q14.3.
Variant type: single nucleotide variant.
Coding change: c.5830G>A on transcript NM_032119.4 (MANE Select); coding-DNA position 5830, G replaced by A.
Protein change: p.Asp1944Asn; replaces aspartic acid 1944 with asparagine.
Molecular consequence: missense variant. On other transcripts: non-coding transcript variant (1).
Genome position (GRCh38, 1-based): chr5:90,683,751, G>A. VCF-style: chr5-90683751-G-A. GRCh37 (hg19) VCF-style: chr5-89979568-G-A.
Other names: short protein forms D1944N.
Identifiers: ClinVar variation 46342 (VCV000046342.72), dbSNP rs41302834, ClinGen allele CA138155.